The following is an entry in ClinVar:

ClinVar aggregate classification (germline): Uncertain significance (1 of 4 stars; one submission).

Conditions:
Inborn genetic diseases. Identifiers: MedGen C0950123, MeSH D030342.

gnomAD v4.1: 2 of 1,613,104 alleles (0.00012%); highest among the groups gnomAD compares: African/African-American, 0.0027%; no homozygotes.

Submission:

Ambry Genetics
Classification: Uncertain significance for Inborn genetic diseases. Last evaluated: 2025-03-31. Review status: criteria provided, single submitter. Criteria: Ambry Variant Classification Scheme 2023. Collection method: clinical testing. Allele origin: germline.
Comment: The p.D1691E variant (also known as c.5073T>A), located in coding exon 34 of the ANKRD26 gene, results from a T to A substitution at nucleotide position 5073. The aspartic acid at codon 1691 is replaced by glutamic acid, an amino acid with highly similar properties. This amino acid position is conserved. In addition, this alteration is predicted to be tolerated by in silico analysis. Based on the available evidence, the clinical significance of this variant remains unclear.

NM_014915.3(ANKRD26):c.5073T>A (p.Asp1691Glu)

Gene: ANKRD26 (ankyrin repeat domain containing 26; minus strand). Cytogenetic location: 10p12.1.
Variant type: single nucleotide variant.
Coding change: c.5073T>A on transcript NM_014915.3 (MANE Select); coding-DNA position 5073, T replaced by A.
Protein change: p.Asp1691Glu; replaces aspartic acid 1691 with glutamic acid.
Molecular consequence: missense variant.
Genome position (GRCh38, 1-based): chr10:27,005,650, A>T on the plus strand (T>A on the coding strand, the complement: ANKRD26 is on the minus strand). VCF-style: chr10-27005650-A-T. GRCh37 (hg19) VCF-style: chr10-27294579-A-T.
Other names: c.5070T>A, p.Asp1690Glu (NM_001256053.2); short protein forms D1690E, D1691E.
Identifiers: ClinVar variation 3913519 (VCV003913519.1).